The following is an entry in ClinVar:

ClinVar aggregate classification (germline): Likely pathogenic (1 of 4 stars; one submission).

Submission:

Labcorp Genetics (formerly Invitae), Labcorp
Classification: Likely pathogenic. Last evaluated: 2022-06-13. Review status: criteria provided, single submitter. Criteria: Invitae Variant Classification Sherloc (09022015). Collection method: clinical testing. Allele origin: germline.
Comment: This variant is not present in population databases (gnomAD no frequency). This sequence change replaces glycine, which is neutral and non-polar, with tryptophan, which is neutral and slightly polar, at codon 248 of the CLCN7 protein (p.Gly248Trp). This missense change has been observed in individual(s) with clinical features of autosomal recessive osteopetrosis (Invitae). In at least one individual the data is consistent with being in trans (on the opposite chromosome) from a pathogenic variant. In summary, the currently available evidence indicates that the variant is pathogenic, but additional data are needed to prove that conclusively. Therefore, this variant has been classified as Likely Pathogenic. Advanced modeling of protein sequence and biophysical properties (such as structural, functional, and spatial information, amino acid conservation, physicochemical variation, residue mobility, and thermodynamic stability) performed at Invitae indicates that this missense variant is expected to disrupt CLCN7 protein function.

NM_001287.6(CLCN7):c.742G>T (p.Gly248Trp)

Gene: CLCN7 (chloride voltage-gated channel 7; minus strand). Cytogenetic location: 16p13.3.
Variant type: single nucleotide variant.
Coding change: c.742G>T on transcript NM_001287.6 (MANE Select); coding-DNA position 742, G replaced by T.
Protein change: p.Gly248Trp; replaces glycine 248 with tryptophan.
Molecular consequence: missense variant.
Genome position (GRCh38, 1-based): chr16:1,457,334, C>A on the plus strand (G>T on the coding strand, the complement: CLCN7 is on the minus strand). VCF-style: chr16-1457334-C-A. GRCh37 (hg19) VCF-style: chr16-1507335-C-A.
Other names: c.670G>T, p.Gly224Trp (NM_001114331.3); short protein forms G224W, G248W.
Identifiers: ClinVar variation 1496616 (VCV001496616.6), dbSNP rs1209605608, ClinGen allele CA394191141.